The following is an entry in ClinVar:

NM_198880.3(QRICH1):c.2088G>T (p.Glu696Asp)

Gene: QRICH1 (glutamine rich 1; minus strand). Cytogenetic location: 3p21.31.
Variant type: single nucleotide variant.
Coding change: c.2088G>T on transcript NM_198880.3 (MANE Select); coding-DNA position 2088, G replaced by T.
Protein change: p.Glu696Asp; replaces glutamic acid 696 with aspartic acid.
Molecular consequence: missense variant.
Genome position (GRCh38, 1-based): chr3:49,032,233, C>A on the plus strand (G>T on the coding strand, the complement: QRICH1 is on the minus strand). VCF-style: chr3-49032233-C-A. GRCh37 (hg19) VCF-style: chr3-49069666-C-A.
Other names: c.2088G>T, p.Glu696Asp (NM_001320580.2, NM_001320581.2, NM_001320582.2 and 4 more transcripts); short protein forms E696D.
Identifiers: ClinVar variation 3906655 (VCV003906655.1).

ClinVar aggregate classification (germline): Uncertain significance (1 of 4 stars; one submission).

gnomAD v4.1: 3 of 1,614,004 alleles (0.00019%); highest among the groups gnomAD compares: Non-Finnish European, 0.00017%; no homozygotes.

Submission:

GeneDx
Classification: Uncertain significance. Last evaluated: 2024-12-18. Review status: criteria provided, single submitter. Criteria: GeneDx Variant Classification Process June 2021. Collection method: clinical testing. Allele origin: germline. Affected: yes.
Comment: Not observed at significant frequency in large population cohorts (gnomAD); In silico analysis indicates that this missense variant does not alter protein structure/function; Has not been previously published as pathogenic or benign to our knowledge